The following is an entry in ClinVar:

NM_000368.5(TSC1):c.2632G>T (p.Glu878Ter)

Gene: TSC1 (TSC complex subunit 1; minus strand). Cytogenetic location: 9q34.13.
Variant type: single nucleotide variant.
Coding change: c.2632G>T on transcript NM_000368.5 (MANE Select); coding-DNA position 2632, G replaced by T.
Protein change: p.Glu878Ter; replaces glutamic acid 878 with a stop codon.
Molecular consequence: nonsense.
Genome position (GRCh38, 1-based): chr9:132,897,604, C>A on the plus strand (G>T on the coding strand, the complement: TSC1 is on the minus strand). VCF-style: chr9-132897604-C-A. GRCh37 (hg19) VCF-style: chr9-135772991-C-A.
Other names: c.2629G>T, p.Glu877Ter (NM_001162426.2); c.2479G>T, p.Glu827Ter (NM_001162427.2); c.2269G>T, p.Glu757Ter (NM_001362177.2); short protein forms E757*, E827*, E877*, E878*.
Identifiers: ClinVar variation 1206904 (VCV001206904.3), dbSNP rs1290215290, ClinGen allele CA375369706.

ClinVar aggregate classification (germline): Pathogenic (1 of 4 stars; one submission).

Submission:

GeneDx
Classification: Pathogenic. Last evaluated: 2020-12-03. Review status: criteria provided, single submitter. Criteria: GeneDx Variant Classification Process June 2021. Collection method: clinical testing. Allele origin: germline. Affected: yes.
Comment: Nonsense variant predicted to result in protein truncation or nonsense-mediated decay in a gene for which loss-of-function is a known mechanism of disease; Not observed in large population cohorts (Lek et al., 2016); Has not been previously published as pathogenic or benign to our knowledge